The following is an entry in ClinVar:

NM_001290060.2(SEMA3B):c.464G>A (p.Arg155Gln)

Gene: SEMA3B (semaphorin 3B; plus strand). Cytogenetic location: 3p21.31.
Variant type: single nucleotide variant.
Coding change: c.464G>A on transcript NM_001290060.2 (MANE Select); coding-DNA position 464, G replaced by A.
Protein change: p.Arg155Gln; replaces arginine 155 with glutamine.
Molecular consequence: missense variant.
Genome position (GRCh38, 1-based): chr3:50,271,101, G>A. VCF-style: chr3-50271101-G-A. GRCh37 (hg19) VCF-style: chr3-50308532-G-A.
Other names: c.464G>A, p.Arg155Gln (NM_001005914.3, NM_001290061.1, NM_004636.4); short protein forms R155Q.
Identifiers: ClinVar variation 3054630 (VCV003054630.2), dbSNP rs782306218, ClinGen allele CA2413771.

ClinVar aggregate classification (germline): Uncertain significance (0 of 4 stars; one submission).

Conditions:
SEMA3B-related disorder. Also called: SEMA3B-related condition.

Allele frequency attached by ClinVar (database versions not stated): TOPMed 0.00002.
gnomAD v4.1: 55 of 1,581,664 alleles (0.0035%); highest among the groups gnomAD compares: Non-Finnish European, 0.0044%; no homozygotes.

Submission:

PreventionGenetics, part of Exact Sciences
Classification: Uncertain significance for SEMA3B-related condition. Last evaluated: 2024-03-04. Review status: no assertion criteria provided. Collection method: clinical testing. Allele origin: germline.
Comment: The SEMA3B c.464G>A variant is predicted to result in the amino acid substitution p.Arg155Gln. To our knowledge, this variant has not been reported in the literature. This variant is reported in 0.0063% of alleles in individuals of East Asian descent in gnomAD. At this time, the clinical significance of this variant is uncertain due to the absence of conclusive functional and genetic evidence.